The following is an entry in ClinVar:

ClinVar aggregate classification (germline): Benign/Likely benign. Review status: criteria provided, multiple submitters, no conflicts (2 of 4 stars). 4 submissions from 4 submitters: Benign (1); Likely benign (2). 1 of the submissions does not count toward it. Last evaluated 2026-01-02.

Conditions:
DHX37-related disorder. Also called: DHX37-Related Disorders; DHX37-related condition.

Submissions (4):

Labcorp Genetics (formerly Invitae), Labcorp
Classification: Likely benign. Last evaluated: 2026-01-02. Review status: criteria provided, single submitter. Criteria: Invitae Variant Classification Sherloc (09022015). Collection method: clinical testing. Allele origin: germline.

CeGaT Center for Human Genetics Tuebingen
Classification: Benign. Last evaluated: 2025-12-01. Review status: criteria provided, single submitter. Criteria: CeGaT Center For Human Genetics Tuebingen Variant Classification Criteria Version 2. Collection method: clinical testing. Allele origin: germline. Affected: yes. Observed: 7 variant alleles.
Comment: DHX37: BS1, BS2

Blueprint Genetics
Classification: Likely benign. Last evaluated: 2024-11-13. Review status: criteria provided, single submitter. Criteria: ACMG Guidelines, 2015. Collection method: clinical testing. Allele origin: germline.

PreventionGenetics, part of Exact Sciences
Classification: Benign for DHX37-related condition. Last evaluated: 2019-11-06. Review status: no assertion criteria provided. Collection method: clinical testing. Allele origin: germline. Not counted in ClinVar's aggregate classification.
Comment: This variant is classified as benign based on ACMG/AMP sequence variant interpretation guidelines (Richards et al. 2015 PMID: 25741868, with internal and published modifications).

NM_032656.4(DHX37):c.478GAG[10] (p.Glu168_Ser169insGlu)

Gene: DHX37 (DEAH-box helicase 37; minus strand). Cytogenetic location: 12q24.31.
Variant type: Microsatellite.
Coding change: c.478GAG[10] on transcript NM_032656.4 (MANE Select); ten copies in a row of the 3-base unit GAG starting at c.478; the reference has nine copies in a row; one copy, 3 bases duplicated.
Protein change: p.Glu168_Ser169insGlu.
Molecular consequence: inframe insertion.
Genome position (GRCh38, 1-based): chr12:124,980,724-124,980,726, CTC duplicated on the plus strand (GAG on the coding strand, the reverse complement: DHX37 is on the minus strand); duplicating any 3 consecutive bases within chr12:124,980,724-124,980,750 gives the same sequence; the position shown is the placement nearest the transcript's 3' end. VCF-style (leftmost placement, unchanged base first): chr12-124980723-A-ACTC. GRCh37 (hg19) VCF-style: chr12-125465269-A-ACTC.
Other names: c.502_504dupGAG (NM_032656.3).
Identifiers: ClinVar variation 2014567 (VCV002014567.33), dbSNP rs376470858, ClinGen allele CA6872431.